The following is an entry in ClinVar:

ClinVar aggregate classification (germline): Likely benign. Review status: criteria provided, multiple submitters, no conflicts (2 of 4 stars). 2 submissions from 2 submitters: Likely benign (2). Last evaluated 2023-10-02.

Conditions:
Familial thoracic aortic aneurysm and aortic dissection (TAAD). Also called: Thoracic aortic aneurysms and dissections. Identifiers: Orphanet 91387, MedGen C4707243, MONDO:0019625.
Marfan syndrome (MFS). Also called: Marfan syndrome type 1; Marfan's syndrome; Marfan syndrome, classic; MARFAN SYNDROME, TYPE I; FBN1-Related Marfan Syndrome. Identifiers: Orphanet 284963, Orphanet 558, MedGen C0024796, MONDO:0007947, OMIM 154700.

Submissions (2):

All of Us Research Program, National Institutes of Health
Classification: Likely benign for Marfan syndrome. Last evaluated: 2023-10-02. Review status: criteria provided, single submitter. Criteria: ACMG Guidelines, 2015. Collection method: clinical testing. Allele origin: germline. Inheritance: Autosomal dominant inheritance. Observed: 1 variant allele, 1 heterozygote.
Comment: This study involves interpretation of variants in research participants for the purpose of population health screening. Participant phenotype was not available at the time of variant classification. Additional details can be found in publication PMID: 35346344, PMCID: PMC8962531

Labcorp Genetics (formerly Invitae), Labcorp
Classification: Likely benign for Marfan syndrome; Familial thoracic aortic aneurysm and aortic dissection. Last evaluated: 2020-05-20. Review status: criteria provided, single submitter. Criteria: Invitae Variant Classification Sherloc (09022015). Collection method: clinical testing. Allele origin: germline.

NM_000138.5(FBN1):c.1947C>T (p.Gly649=)

Gene: FBN1 (fibrillin 1; minus strand). Cytogenetic location: 15q21.1.
Variant type: single nucleotide variant.
Coding change: c.1947C>T on transcript NM_000138.5 (MANE Select); coding-DNA position 1947, C replaced by T.
Protein change: p.Gly649=; no amino-acid change (glycine 649 retained).
Molecular consequence: synonymous variant.
Genome position (GRCh38, 1-based): chr15:48,505,038, G>A on the plus strand (C>T on the coding strand, the complement: FBN1 is on the minus strand). VCF-style: chr15-48505038-G-A. GRCh37 (hg19) VCF-style: chr15-48797235-G-A.
Identifiers: ClinVar variation 1100909 (VCV001100909.10), dbSNP rs2141317155, ClinGen allele CA490025492.